The following is an entry in ClinVar:

ClinVar aggregate classification (germline): Uncertain significance (1 of 4 stars; one submission).

Conditions:
Familial intrahepatic cholestasis. Identifiers: Orphanet 284385, MedGen CN296401, MONDO:0017290.

gnomAD v4.1: 1 of 1,613,774 alleles (0.000062%); highest among the groups gnomAD compares: South Asian, 0.0011%; no homozygotes.

Submission:

Genomenon, Inc
Classification: Uncertain significance for Familial intrahepatic cholestasis. Last evaluated: 2026-04-14. Review status: criteria provided, single submitter. Criteria: Genomenon Sequence Variant Interpretation Standards - Updated. Collection method: curation. Allele origin: germline. Affected: no.
Comment: ABCB11 p.Pro77Leu (c.230C>T) is a missense variant that changes the amino acid at residue 77 from Proline to Leucine. This variant has been reported in the published literature (PMID:37208429). It is absent or not present at a significant frequency in gnomAD. In silico models predict that this variant is possibly or probably damaging. In conclusion, we classify ABCB11 p.Pro77Leu (c.230C>T) as a variant of uncertain significance.

Literature cited by the submitters: PubMed 37208429.

NM_003742.4(ABCB11):c.230C>T (p.Pro77Leu)

Gene: ABCB11 (ATP binding cassette subfamily B member 11; minus strand). Cytogenetic location: 2q31.1.
Variant type: single nucleotide variant.
Coding change: c.230C>T on transcript NM_003742.4 (MANE Select); coding-DNA position 230, C replaced by T.
Protein change: p.Pro77Leu; replaces proline 77 with leucine.
Molecular consequence: missense variant.
Genome position (GRCh38, 1-based): chr2:169,013,431, G>A on the plus strand (C>T on the coding strand, the complement: ABCB11 is on the minus strand). VCF-style: chr2-169013431-G-A. GRCh37 (hg19) VCF-style: chr2-169869941-G-A.
Other names: short protein forms P77L.
Identifiers: ClinVar variation 4846118 (VCV004846118.1).